The following is an entry in ClinVar:

ClinVar aggregate classification (germline): Uncertain significance. Review status: criteria provided, multiple submitters, no conflicts (2 of 4 stars). 2 submissions from 2 submitters: Uncertain significance (2). Last evaluated 2025-02-05.

Conditions:
Bethlem myopathy 1A. Also called: MYOPATHY, BENIGN CONGENITAL, WITH CONTRACTURES; Bethlem myopathy 1; Bethlem Muscular Dystrophy. Identifiers: Orphanet 610, MedGen CN029274, MONDO:0024530, OMIM 158810.

gnomAD v4.1: 2 of 1,611,528 alleles (0.00012%); highest among the groups gnomAD compares: Admixed American, 0.0017%; no homozygotes.

Submissions (2):

GeneDx
Classification: Uncertain significance. Last evaluated: 2025-02-05. Review status: criteria provided, single submitter. Criteria: GeneDx Variant Classification Process June 2021. Collection method: clinical testing. Allele origin: germline. Affected: yes.
Comment: Not observed at significant frequency in large population cohorts (gnomAD); In silico analysis indicates that this missense variant does not alter protein structure/function; Has not been previously published as pathogenic or benign to our knowledge

Labcorp Genetics (formerly Invitae), Labcorp
Classification: Uncertain significance for Bethlem myopathy 1A. Last evaluated: 2024-08-08. Review status: criteria provided, single submitter. Criteria: Invitae Variant Classification Sherloc (09022015). Collection method: clinical testing. Allele origin: germline.
Comment: This sequence change replaces threonine, which is neutral and polar, with isoleucine, which is neutral and non-polar, at codon 601 of the COL6A2 protein (p.Thr601Ile). This variant is present in population databases (rs199849336, gnomAD 0.003%). This variant has not been reported in the literature in individuals affected with COL6A2-related conditions. Advanced modeling of protein sequence and biophysical properties (such as structural, functional, and spatial information, amino acid conservation, physicochemical variation, residue mobility, and thermodynamic stability) performed at Invitae indicates that this missense variant is expected to disrupt COL6A2 protein function with a positive predictive value of 80%. In summary, the available evidence is currently insufficient to determine the role of this variant in disease. Therefore, it has been classified as a Variant of Uncertain Significance.

NM_001849.4(COL6A2):c.1802C>T (p.Thr601Ile)

Gene: COL6A2 (collagen type VI alpha 2 chain; plus strand). Cytogenetic location: 21q22.3.
Variant type: single nucleotide variant.
Coding change: c.1802C>T on transcript NM_001849.4 (MANE Select); coding-DNA position 1802, C replaced by T.
Protein change: p.Thr601Ile; replaces threonine 601 with isoleucine.
Molecular consequence: missense variant.
Genome position (GRCh38, 1-based): chr21:46,125,297, C>T. VCF-style: chr21-46125297-C-T. GRCh37 (hg19) VCF-style: chr21-47545211-C-T.
Other names: c.1802C>T, p.Thr601Ile (NM_058174.3, NM_058175.3); short protein forms T601I.
Identifiers: ClinVar variation 3702579 (VCV003702579.3).